The following is an entry in ClinVar:

ClinVar aggregate classification (germline): Benign (1 of 4 stars; one submission).

Conditions:
Familial cancer of breast. Also called: BREAST CANCER, FAMILIAL; Hereditary breast cancer; hereditary breast carcinoma. Identifiers: Orphanet 227535, MedGen C0346153, MONDO:0016419, OMIM 114480. Disease mechanism: loss of function.

Submission:

Myriad Genetics, Inc.
Classification: Benign for Familial cancer of breast. Last evaluated: 2024-05-17. Review status: criteria provided, single submitter. Criteria: Myriad Autosomal Dominant, Autosomal Recessive and X-Linked Classification Criteria (2023). Collection method: clinical testing. Allele origin: unknown.
Comment: This variant is considered benign. This variant is a silent/synonymous amino acid change and it is not expected to impact splicing.

NM_000051.4(ATM):c.4275A>G (p.Gln1425=)

Gene: ATM (ATM serine/threonine kinase; plus strand). Cytogenetic location: 11q22.3.
Variant type: single nucleotide variant.
Coding change: c.4275A>G on transcript NM_000051.4 (MANE Select); coding-DNA position 4275, A replaced by G.
Protein change: p.Gln1425=; no amino-acid change (glutamine 1425 retained).
Molecular consequence: synonymous variant.
Genome position (GRCh38, 1-based): chr11:108,289,640, A>G. VCF-style: chr11-108289640-A-G. GRCh37 (hg19) VCF-style: chr11-108160367-A-G.
Other names: c.4275A>G, p.Gln1425= (NM_001351834.2).
Identifiers: ClinVar variation 3253751 (VCV003253751.1), dbSNP rs2135760102.
Genomic context (GRCh38, chr11:108,289,640, plus strand): 5'-ACTAAATCTGTTTATTTTCTAGGATTCCTATCAGAAAATTCTTCTTGCCATATGTGAGCA[A>G]GCAGCTGAAACAAATAATGTTTATAAGAAGCACAGAATTCTTAAAATATATCACCTGTTT-3'
Protein context (NP_000042.3, residues 1415-1435): YQKILLAICE[Gln1425=]AAETNNVYKK